The following is an entry in ClinVar:

ClinVar aggregate classification (germline): Uncertain significance. Review status: criteria provided, multiple submitters, no conflicts (2 of 4 stars). 3 submissions from 3 submitters: Uncertain significance (3). Last evaluated 2025-04-14.

Conditions:
Hereditary cancer-predisposing syndrome. Also called: Hereditary Cancer Syndrome; Hereditary neoplastic syndrome; Neoplastic Syndromes, Hereditary; Tumor predisposition. Identifiers: Orphanet 140162, MedGen C0027672, MeSH D009386, MONDO:0015356.

Allele frequency attached by ClinVar (database versions not stated): ExAC 0.00001; TOPMed 0.00003; gnomAD 0.00005 and 0.00006.
gnomAD v4.1: 11 of 1,613,208 alleles (0.00068%); highest among the groups gnomAD compares: African/African-American, 0.013%; no homozygotes.

Submissions (3):

GeneDx
Classification: Uncertain significance. Last evaluated: 2025-04-14. Review status: criteria provided, single submitter. Criteria: GeneDx Variant Classification Process June 2021. Collection method: clinical testing. Allele origin: germline. Affected: yes.
Comment: Not observed at significant frequency in large population cohorts (gnomAD); In silico analysis indicates that this missense variant does not alter protein structure/function; Has not been previously published as pathogenic or benign to our knowledge; This variant is associated with the following publications: (PMID: 29056344, 29338072)

Labcorp Genetics (formerly Invitae), Labcorp
Classification: Uncertain significance. Last evaluated: 2025-01-13. Review status: criteria provided, single submitter. Criteria: Invitae Variant Classification Sherloc (09022015). Collection method: clinical testing. Allele origin: germline.
Comment: This sequence change replaces glycine, which is neutral and non-polar, with glutamic acid, which is acidic and polar, at codon 1305 of the POLE protein (p.Gly1305Glu). This variant is present in population databases (rs761617609, gnomAD 0.01%). This variant has not been reported in the literature in individuals affected with POLE-related conditions. ClinVar contains an entry for this variant (Variation ID: 405596). Invitae Evidence Modeling of protein sequence and biophysical properties (such as structural, functional, and spatial information, amino acid conservation, physicochemical variation, residue mobility, and thermodynamic stability) indicates that this missense variant is not expected to disrupt POLE protein function with a negative predictive value of 80%. In summary, the available evidence is currently insufficient to determine the role of this variant in disease. Therefore, it has been classified as a Variant of Uncertain Significance.

Ambry Genetics
Classification: Uncertain significance for Hereditary cancer-predisposing syndrome. Last evaluated: 2024-12-04. Review status: criteria provided, single submitter. Criteria: Ambry Variant Classification Scheme 2023. Collection method: clinical testing. Allele origin: germline.
Comment: The p.G1305E variant (also known as c.3914G>A), located in coding exon 31 of the POLE gene, results from a G to A substitution at nucleotide position 3914. The glycine at codon 1305 is replaced by glutamic acid, an amino acid with similar properties. This amino acid position is well conserved in available vertebrate species. In addition, this alteration is predicted to be tolerated by in silico analysis. Based on the available evidence, the clinical significance of this variant remains unclear.

NM_006231.4(POLE):c.3914G>A (p.Gly1305Glu)

Gene: POLE (DNA polymerase epsilon, catalytic subunit; minus strand). Cytogenetic location: 12q24.33.
Variant type: single nucleotide variant.
Coding change: c.3914G>A on transcript NM_006231.4 (MANE Select); coding-DNA position 3914, G replaced by A.
Protein change: p.Gly1305Glu; replaces glycine 1305 with glutamic acid.
Molecular consequence: missense variant.
Genome position (GRCh38, 1-based): chr12:132,649,397, C>T on the plus strand (G>A on the coding strand, the complement: POLE is on the minus strand). VCF-style: chr12-132649397-C-T. GRCh37 (hg19) VCF-style: chr12-133225983-C-T.
Other names: short protein forms G1305E.
Identifiers: ClinVar variation 405596 (VCV000405596.12), dbSNP rs761617609, ClinGen allele CA6893053.